The following is an entry in ClinVar:

ClinVar aggregate classification (germline): Pathogenic (1 of 4 stars; one submission).

Conditions:
Hereditary cancer-predisposing syndrome. Also called: Hereditary Cancer Syndrome; Hereditary neoplastic syndrome; Tumor predisposition; Neoplastic Syndromes, Hereditary. Identifiers: Orphanet 140162, MedGen C0027672, MeSH D009386, MONDO:0015356.

Submission:

Labcorp Genetics (formerly Invitae), Labcorp
Classification: Pathogenic for Hereditary cancer-predisposing syndrome. Last evaluated: 2021-09-29. Review status: criteria provided, single submitter. Criteria: Invitae Variant Classification Sherloc (09022015). Collection method: clinical testing. Allele origin: germline.
Comment: This variant is not present in population databases (ExAC no frequency). This sequence change creates a premature translational stop signal (p.Thr1154Argfs*10) in the RAD50 gene. It is expected to result in an absent or disrupted protein product. This variant has not been reported in the literature in individuals with RAD50-related conditions. Loss-of-function variants in RAD50 are known to be pathogenic (PMID: 16385572, 19409520). For these reasons, this variant has been classified as Pathogenic.

Literature cited by the submitters: PubMed 16385572; PubMed 19409520.

NM_005732.4(RAD50):c.3460_3462delinsCGTGGTCACG (p.Thr1154fs)

Genes: TH2LCRR (T helper type 2 locus control region associated RNA; minus strand), TH2-LCR (Th2 cytokine locus control region; plus strand), RAD50 (RAD50 double strand break repair protein; plus strand). Cytogenetic location: 5q31.1.
Variant type: Indel.
Coding change: c.3460_3462delinsCGTGGTCACG on transcript NM_005732.4 (MANE Select); coding-DNA positions 3460 to 3462, ACC replaced by CGTGGTCACG.
Protein change: p.Thr1154fs; shifts the reading frame from threonine 1154.
Molecular consequence: frameshift variant.
Genome position (GRCh38, 1-based): chr5:132,637,185-132,637,187, ACC replaced by CGTGGTCACG. VCF-style: chr5-132637185-ACC-CGTGGTCACG. GRCh37 (hg19) VCF-style: chr5-131972877-ACC-CGTGGTCACG.
Other names: short protein forms T1154fs.
Identifiers: ClinVar variation 972601 (VCV000972601.6), dbSNP rs1751598318, ClinGen allele CA1139655887.